The following is an entry in ClinVar:

ClinVar aggregate classification (germline): Benign/Likely benign. Review status: criteria provided, multiple submitters, no conflicts (2 of 4 stars). 8 submissions from 8 submitters: Benign (7); Likely benign (1). Last evaluated 2026-02-04.

Conditions:
Chédiak-Higashi syndrome (CHS). Also called: Chediak-Higashi Syndrome. Identifiers: Orphanet 167, MedGen C0007965, MONDO:0008963, OMIM 214500.

Allele frequency attached by ClinVar (database versions not stated): 1000 Genomes Project 0.30092; 1000 Genomes Project 30x 0.31465; gnomAD exomes 0.34364 and 0.38201; ExAC 0.34832; TOPMed 0.40072; gnomAD 0.40451 and 0.41769; ESP Exome Variant Server 0.43541.
gnomAD v4.1: 618,270 of 1,612,208 alleles (38%); highest among the groups gnomAD compares: African/African-American, 50%; 123,774 homozygotes.

Submissions (8):

Labcorp Genetics (formerly Invitae), Labcorp
Classification: Benign for Chédiak-Higashi syndrome. Last evaluated: 2026-02-04. Review status: criteria provided, single submitter. Criteria: Invitae Variant Classification Sherloc (09022015). Collection method: clinical testing. Allele origin: germline.

Blueprint Genetics
Classification: Likely benign. Last evaluated: 2024-11-26. Review status: criteria provided, single submitter. Criteria: ACMG Guidelines, 2015. Collection method: clinical testing. Allele origin: germline.

Unidad de Genómica Garrahan, Hospital de Pediatría Garrahan
Classification: Benign. Last evaluated: 2023-11-12. Review status: criteria provided, single submitter. Criteria: ACMG Guidelines, 2015. Collection method: clinical testing. Allele origin: germline. Affected: no. Observed: 48 variant alleles.
Comment: This variant is classified as Benign based on local population frequency. This variant was detected in 50% of patients studied by a panel of primary immunodeficiencies. Number of patients: 48. Only high quality variants are reported.

Mayo Clinic Laboratories, Mayo Clinic
Classification: Benign. Last evaluated: 2022-09-29. Review status: criteria provided, single submitter. Criteria: ACMG Guidelines, 2015. Collection method: clinical testing. Allele origin: germline. Observed: 1,830 variant alleles.

GeneDx
Classification: Benign. Last evaluated: 2018-06-13. Review status: criteria provided, single submitter. Criteria: GeneDx Variant Classification (06012015). Collection method: clinical testing. Allele origin: germline. Affected: yes.
Comment: This variant is considered likely benign or benign based on one or more of the following criteria: it is a conservative change, it occurs at a poorly conserved position in the protein, it is predicted to be benign by multiple in silico algorithms, and/or has population frequency not consistent with disease.

Laboratory for Molecular Medicine, Mass General Brigham Personalized Medicine
Classification: Benign. Last evaluated: 2016-03-28. Review status: criteria provided, single submitter. Criteria: LMM Criteria. Collection method: clinical testing. Allele origin: germline.
Comment: Variant identified in a genome or exome case(s) and assessed due to predicted null impact of the variant or pathogenic assertions in the literature or databases. Disclaimer: This variant has not undergone full assessment. The following are preliminary notes: MAF

Breakthrough Genomics
Classification: Benign. Review status: criteria provided, single submitter. Criteria: ACMG Guidelines, 2015. Collection method: not provided. Allele origin: germline. Inheritance: Autosomal recessive inheritance. Affected: yes.

PreventionGenetics, part of Exact Sciences
Classification: Benign. Review status: criteria provided, single submitter. Criteria: ACMG Guidelines, 2015. Collection method: clinical testing. Allele origin: germline.

NM_000081.4(LYST):c.5373G>A (p.Lys1791=)

Gene: LYST (lysosomal trafficking regulator; minus strand). Cytogenetic location: 1q42.3.
Variant type: single nucleotide variant.
Coding change: c.5373G>A on transcript NM_000081.4 (MANE Select); coding-DNA position 5373, G replaced by A.
Protein change: p.Lys1791=; no amino-acid change (lysine 1791 retained).
Molecular consequence: synonymous variant.
Genome position (GRCh38, 1-based): chr1:235,777,150, C>T on the plus strand (G>A on the coding strand, the complement: LYST is on the minus strand). VCF-style: chr1-235777150-C-T. GRCh37 (hg19) VCF-style: chr1-235940450-C-T.
Other names: p.Lys1791=; c.5373G>A, p.Lys1791= (NM_001301365.1).
Identifiers: ClinVar variation 254927 (VCV000254927.26), dbSNP rs2273584, ClinGen allele CA1466642.
Genomic context (GRCh38, chr1:235,777,150, plus strand): 5'-AGTTCCACCAATTTCGTGCAGAATGCCTTGAATAGTTTTATATTCAGTAGGTTGGAGATT[C>T]TTTAGATGATGAGGTTCTAATAAGATGCTCTGAACTTCTTTTGAGCTGAAGGGTCTTTGA-3'
Protein context (NP_000072.2, residues 1781-1801): QSILLEPHHL[Lys1791=]NLQPTEYKTI